The following is an entry in ClinVar:

ClinVar aggregate classification (germline): Likely pathogenic (1 of 4 stars; one submission).

Submission:

Dasa
Classification: Likely pathogenic. Last evaluated: 2025-11-13. Review status: criteria provided, single submitter. Criteria: DASA Assertion Criteria. Collection method: clinical testing. Allele origin: germline.
Comment: NM_001046.3(SLC12A2):c.2169T>A (p.Cys723*) is a nonsense variant in SLC12A2 predicted to introduce a premature termination codon and is predicted to result in an absent or altered protein product. Loss of function is an established disease mechanism for SLC12A2-associated disorders. Published studies describe this variant in association with related phenotype (PMID: 37399495; PMID: 32658972). Also, this variant is absent from population databases. Based on the currently available evidence, this variant is classified as likely pathogenic.

Literature cited by the submitters: PubMed 37399495; PubMed 32658972.

NM_001046.3(SLC12A2):c.2169T>A (p.Cys723Ter)

Gene: SLC12A2 (solute carrier family 12 member 2; plus strand). Cytogenetic location: 5q23.3.
Variant type: single nucleotide variant.
Coding change: c.2169T>A on transcript NM_001046.3 (MANE Select); coding-DNA position 2169, T replaced by A.
Protein change: p.Cys723Ter; replaces cysteine 723 with a stop codon.
Molecular consequence: nonsense. On other transcripts: non-coding transcript variant (1).
Genome position (GRCh38, 1-based): chr5:128,151,302, T>A. VCF-style: chr5-128151302-T-A. GRCh37 (hg19) VCF-style: chr5-127486994-T-A.
Other names: c.2169T>A, p.Cys723Ter (NM_001256461.2); short protein forms C723*.
Identifiers: ClinVar variation 4880738 (VCV004880738.2).